The following is an entry in ClinVar:

NM_001754.5(RUNX1):c.182del (p.Pro61fs)

Gene: RUNX1 (RUNX family transcription factor 1; minus strand). Cytogenetic location: 21q22.12.
Variant type: Deletion.
Coding change: c.182del on transcript NM_001754.5 (MANE Select); coding-DNA position 182, one base deleted (C; older notation c.182delC).
Protein change: p.Pro61fs; shifts the reading frame from proline 61.
Molecular consequence: frameshift variant.
Genome position (GRCh38, 1-based): chr21:34,887,012, G deleted on the plus strand (C on the coding strand, the reverse complement: RUNX1 is on the minus strand); the first of 4 consecutive G bases (chr21:34,887,012-34,887,015); deleting any one gives the same sequence. VCF-style (leftmost placement, unchanged base first): chr21-34887011-CG-C. GRCh37 (hg19) VCF-style: chr21-36259308-CG-C.
Other names: c.101del, p.Pro34fs (NM_001001890.3, NM_001122607.2); c.179delC, p.Pro61Argfs (NM_001754.4); short protein forms P34fs, P61fs.
Identifiers: ClinVar variation 4082510 (VCV004082510.2).

ClinVar aggregate classification (germline): Likely pathogenic (1 of 4 stars; one submission).

Submission:

Genetic Services Laboratory, University of Chicago
Classification: Likely pathogenic. Last evaluated: 2024-09-17. Review status: criteria provided, single submitter. Criteria: ACMG Guidelines, 2015. Collection method: clinical testing. Allele origin: germline. Affected: yes.
Comment: DNA sequence analysis of the RUNX1 gene demonstrated a single base pair deletion in exon 4, c.182del. This sequence change results in an amino acid frameshift and creates a premature stop codon 10 amino acids downstream of the change, p.Pro61Argfs*11. The c.182del sequence change has not been described in population databases such as ExAC and gnomAD. This sequence change is predicted to result in an abnormal transcript, which may be degraded, or may lead to the production of a truncated RUNX1 protein with potentially abnormal function. While this deletion has not previously been described in the literature, other frameshift and truncating variants downstream of this position have been described in patients with RUNX1-related disorders (PMIDs: 27112265, 18723428, 32315381) . This sequence change is the likely cause of this individual's phenotype, however functional studies have not been performed to prove this conclusively.